The following is an entry in ClinVar:

NM_177438.3(DICER1):c.3821G>T (p.Arg1274Met)

Gene: DICER1 (dicer 1, ribonuclease III; minus strand). Cytogenetic location: 14q32.13.
Variant type: single nucleotide variant.
Coding change: c.3821G>T on transcript NM_177438.3 (MANE Select); coding-DNA position 3821, G replaced by T.
Protein change: p.Arg1274Met; replaces arginine 1274 with methionine.
Molecular consequence: missense variant. On other transcripts: non-coding transcript variant (6).
Genome position (GRCh38, 1-based): chr14:95,103,575, C>A on the plus strand (G>T on the coding strand, the complement: DICER1 is on the minus strand). VCF-style: chr14-95103575-C-A. GRCh37 (hg19) VCF-style: chr14-95569912-C-A.
Other names: c.3821G>T, p.Arg1274Met (NM_001195573.1, NM_001271282.3, NM_001291628.2 and 12 more transcripts); c.3539G>T, p.Arg1180Met (NM_001395686.1); c.3416G>T, p.Arg1139Met (NM_001395687.1, NM_001395688.1, NM_001395689.1 and 2 more transcripts); c.3254G>T, p.Arg1085Met (NM_001395691.1); c.2138G>T, p.Arg713Met (NM_001395697.1); short protein forms R1274M, R1085M, R1139M, R1180M, R713M.
Identifiers: ClinVar variation 3660566 (VCV003660566.2).

ClinVar aggregate classification (germline): Uncertain significance (1 of 4 stars; one submission).

Conditions:
DICER1-related tumor predisposition. Also called: DICER1-related pleuropulmonary blastoma cancer predisposition syndrome; DICER1 syndrome. Identifiers: Orphanet 284343, MedGen C3839822, MONDO:0100216.

Submission:

Labcorp Genetics (formerly Invitae), Labcorp
Classification: Uncertain significance for DICER1-related tumor predisposition. Last evaluated: 2024-07-25. Review status: criteria provided, single submitter. Criteria: Invitae Variant Classification Sherloc (09022015). Collection method: clinical testing. Allele origin: germline.
Comment: This sequence change replaces arginine, which is basic and polar, with methionine, which is neutral and non-polar, at codon 1274 of the DICER1 protein (p.Arg1274Met). This variant is not present in population databases (gnomAD no frequency). This variant has not been reported in the literature in individuals affected with DICER1-related conditions. An algorithm developed to predict the effect of missense changes on protein structure and function (PolyPhen-2) suggests that this variant is likely to be tolerated. In summary, the available evidence is currently insufficient to determine the role of this variant in disease. Therefore, it has been classified as a Variant of Uncertain Significance.